The following is an entry in ClinVar:

ClinVar aggregate classification (germline): Uncertain significance (1 of 4 stars; one submission).

Conditions:
NBAS-related disorder. Also called: NBAS-related condition.

Submission:

PreventionGenetics, part of Exact Sciences
Classification: Uncertain significance for NBAS-related condition. Last evaluated: 2025-11-30. Review status: criteria provided, single submitter. Criteria: ACMG Guidelines, 2015. Collection method: clinical testing. Allele origin: germline.
Comment: The NBAS c.5222A>G variant is predicted to result in the amino acid substitution p.Gln1741Arg. To our knowledge, this variant has not been reported in the literature or in a large population database (gnomAD), indicating this variant is rare. At this time, the clinical significance of this variant is uncertain due to the absence of conclusive functional and genetic evidence.

NM_015909.4(NBAS):c.5222A>G (p.Gln1741Arg)

Gene: NBAS (NBAS subunit of NRZ tethering complex; minus strand). Cytogenetic location: 2p24.3.
Variant type: single nucleotide variant.
Coding change: c.5222A>G on transcript NM_015909.4 (MANE Select); coding-DNA position 5222, A replaced by G.
Protein change: p.Gln1741Arg; replaces glutamine 1741 with arginine.
Molecular consequence: missense variant. On other transcripts: non-coding transcript variant (1).
Genome position (GRCh38, 1-based): chr2:15,277,018, T>C on the plus strand (A>G on the coding strand, the complement: NBAS is on the minus strand). VCF-style: chr2-15277018-T-C. GRCh37 (hg19) VCF-style: chr2-15417142-T-C.
Other names: short protein forms Q1741R.
Identifiers: ClinVar variation 4996226 (VCV004996226.1).
Genomic context (GRCh38, chr2:15,277,018, plus strand): 5'-TACTGCAGCCTTTCGTGATCAAAGCCACCAATAGTAGGGTAAATATACTTGACCATGTGC[T>C]GGTGAAAGGCTTCTGGATCAGTCTTCAAAGTCTCAAAGAGATGAAGGTCTTGGGCTCTAT-3'
Protein context (NP_056993.2, residues 1731-1751): TLKTDPEAFH[Gln1741Arg]HMVKYIYPTI